The following is an entry in ClinVar:

ClinVar aggregate classification (germline): Uncertain significance. Review status: criteria provided, multiple submitters, no conflicts (2 of 4 stars). 2 submissions from 2 submitters: Uncertain significance (2). Last evaluated 2025-05-13.

Conditions:
Inborn genetic diseases. Identifiers: MedGen C0950123, MeSH D030342.
Temtamy preaxial brachydactyly syndrome (TPBS). Identifiers: Orphanet 363417, MedGen C1854466, MONDO:0011533, OMIM 605282.

Allele frequency attached by ClinVar (database versions not stated): gnomAD below 0.00001 and 0.00001; TOPMed below 0.00001; gnomAD exomes 0.00001 and 0.00007; ExAC 0.00031.
gnomAD v4.1: 8 of 1,157,416 alleles (0.00069%); highest among the groups gnomAD compares: South Asian, 0.014%; no homozygotes.

Submissions (2):

Ambry Genetics
Classification: Uncertain significance for Inborn genetic diseases. Last evaluated: 2025-05-13. Review status: criteria provided, single submitter. Criteria: Ambry Variant Classification Scheme 2023. Collection method: clinical testing. Allele origin: germline.

Labcorp Genetics (formerly Invitae), Labcorp
Classification: Uncertain significance for Temtamy preaxial brachydactyly syndrome. Last evaluated: 2020-10-06. Review status: criteria provided, single submitter. Criteria: Invitae Variant Classification Sherloc (09022015). Collection method: clinical testing. Allele origin: germline.
Comment: This sequence change replaces serine with proline at codon 32 of the CHSY1 protein (p.Ser32Pro). The serine residue is weakly conserved and there is a moderate physicochemical difference between serine and proline. While this variant is present in population databases (rs760263900), the frequency information is unreliable, as metrics indicate poor data quality at this position in the ExAC database. In summary, the available evidence is currently insufficient to determine the role of this variant in disease. Therefore, it has been classified as a Variant of Uncertain Significance. Algorithms developed to predict the effect of missense changes on protein structure and function (SIFT, PolyPhen-2, Align-GVGD) all suggest that this variant is likely to be tolerated, but these predictions have not been confirmed by published functional studies and their clinical significance is uncertain. This variant has not been reported in the literature in individuals with CHSY1-related conditions.

NM_014918.5(CHSY1):c.94T>C (p.Ser32Pro)

Genes: CHSY1 (chondroitin sulfate synthase 1; minus strand), LOC130058068 (ATAC-STARR-seq lymphoblastoid silent region 6885; plus strand). Cytogenetic location: 15q26.3.
Variant type: single nucleotide variant.
Coding change: c.94T>C on transcript NM_014918.5 (MANE Select); coding-DNA position 94, T replaced by C.
Protein change: p.Ser32Pro; replaces serine 32 with proline.
Molecular consequence: missense variant.
Genome position (GRCh38, 1-based): chr15:101,251,363, A>G on the plus strand (T>C on the coding strand, the complement: CHSY1 is on the minus strand). VCF-style: chr15-101251363-A-G. GRCh37 (hg19) VCF-style: chr15-101791568-A-G.
Other names: c.94T>C (NM_014918.4); short protein forms S32P.
Identifiers: ClinVar variation 1041711 (VCV001041711.10), dbSNP rs760263900, ClinGen allele CA7762811.